The following is an entry in ClinVar:

NM_001042492.3(NF1):c.7615+7T>C

Gene: NF1 (neurofibromin 1; plus strand). Cytogenetic location: 17q11.2.
Variant type: single nucleotide variant.
Coding change: c.7615+7T>C on transcript NM_001042492.3 (MANE Select); 7 bases into the intron after coding-DNA position 7615, T replaced by C.
Molecular consequence: intron variant.
Genome position (GRCh38, 1-based): chr17:31,352,421, T>C. VCF-style: chr17-31352421-T-C. GRCh37 (hg19) VCF-style: chr17-29679439-T-C.
Other names: c.7552+7T>C (NM_000267.4).
Identifiers: ClinVar variation 698959 (VCV000698959.9), dbSNP rs779078444, ClinGen allele CA8487615.

ClinVar aggregate classification (germline): Likely benign. Review status: criteria provided, multiple submitters, no conflicts (2 of 4 stars). 3 submissions from 3 submitters: Likely benign (3). Last evaluated 2026-05-13.

Conditions:
Juvenile myelomonocytic leukemia (JMML). Also called: LEUKEMIA, JUVENILE MYELOMONOCYTIC, SOMATIC. Identifiers: Orphanet 86834, MedGen C0349639, MONDO:0011908, OMIM 607785, HP:0012209.
Neurofibromatosis-Noonan syndrome (NFNS). Also called: NEUROFIBROMATOSIS WITH NOONAN PHENOTYPE. Identifiers: Orphanet 638, MedGen C2931482, MONDO:0011035, OMIM 601321. Disease mechanism: loss of function.
Café-au-lait macules with pulmonary stenosis (WTSN). Also called: PULMONIC STENOSIS WITH CAFE-AU-LAIT SPOTS. Identifiers: MedGen C0553586, MONDO:0008672, OMIM 193520.
Neurofibromatosis, familial spinal (FSNF). Identifiers: Orphanet 636, MedGen C1834235, MONDO:0008078, OMIM 162210. Disease mechanism: loss of function.
Neurofibromatosis, type 1 (NF1). Also called: Neurofibromatosis, type I; VON RECKLINGHAUSEN DISEASE; NEUROFIBROMATOSIS, TYPE I, SOMATIC; Peripheral type neurofibromatosis. Identifiers: Orphanet 636, MedGen C0027831, MONDO:0018975, OMIM 162200. Disease mechanism: loss of function.

Allele frequency attached by ClinVar (database versions not stated): ExAC 0.00001; gnomAD exomes below 0.00001 and 0.00002.
gnomAD v4.1: 3 of 1,592,918 alleles (0.00019%); highest among the groups gnomAD compares: East Asian, 0.0068%; no homozygotes.

Submissions (3):

Myriad Genetics, Inc.
Classification: Likely benign for Neurofibromatosis, type 1. Last evaluated: 2026-05-13. Review status: criteria provided, single submitter. Criteria: Myriad Autosomal Dominant, Autosomal Recessive and X-Linked Classification Criteria (2023). Collection method: clinical testing. Allele origin: unknown.
Comment: This variant is considered likely benign. This variant is intronic and is not expected to impact mRNA splicing.

Labcorp Genetics (formerly Invitae), Labcorp
Classification: Likely benign for Neurofibromatosis, type 1. Last evaluated: 2025-10-15. Review status: criteria provided, single submitter. Criteria: Invitae Variant Classification Sherloc (09022015). Collection method: clinical testing. Allele origin: germline.

Fulgent Genetics
Classification: Likely benign for Neurofibromatosis, type 1; Neurofibromatosis, familial spinal; Café-au-lait macules with pulmonary stenosis; Neurofibromatosis-Noonan syndrome; Juvenile myelomonocytic leukemia. Last evaluated: 2022-04-28. Review status: criteria provided, single submitter. Criteria: ACMG Guidelines, 2015. Collection method: clinical testing. Allele origin: unknown.